The following is an entry in ClinVar:

NM_000376.3(VDR):c.941T>G (p.Ile314Ser)

Gene: VDR (vitamin D receptor; minus strand). Cytogenetic location: 12q13.11.
Variant type: single nucleotide variant.
Coding change: c.941T>G on transcript NM_000376.3 (MANE Select); coding-DNA position 941, T replaced by G.
Protein change: p.Ile314Ser; replaces isoleucine 314 with serine.
Molecular consequence: missense variant.
Genome position (GRCh38, 1-based): chr12:47,846,418, A>C on the plus strand (T>G on the coding strand, the complement: VDR is on the minus strand). VCF-style: chr12-47846418-A-C. GRCh37 (hg19) VCF-style: chr12-48240201-A-C.
Other names: c.941T>G, p.Ile314Ser (NM_001017535.2, NM_001364085.2, NM_001374661.1 and 1 more transcripts); c.1091T>G, p.Ile364Ser (NM_001017536.2); short protein forms I314S, I364S.
Identifiers: ClinVar variation 7755 (VCV000007755.5), dbSNP rs121909799, ClinGen allele CA119038.
Genomic context (GRCh38, chr12:47,846,418, plus strand): 5'-ATGAGCAGGACATGCTCCTCCTCATGCAAGTTCAGCTTCTTCAGTCCCACCTGGAACTTG[A>C]TGAGGGGCTCAATCAGCTCCAGGCTGTGTCCGGCTGTGAGAGACAATGGCCAGGTACTGC-3'
Protein context (NP_000367.1, residues 304-324): GHSLELIEPL[Ile314Ser]KFQVGLKKLN

ClinVar aggregate classification (germline): Uncertain significance. Review status: criteria provided, single submitter (1 of 4 stars). 2 submissions from 2 submitters: Uncertain significance (1). 1 of the submissions does not count toward it. Last evaluated 2023-10-03.

Conditions:
Vitamin D-dependent rickets type II with alopecia (VDDR2A). Also called: GENERALIZED RESISTANCE TO 1,25-DIHYDROXYVITAMIN D; HYPOCALCEMIC VITAMIN D-RESISTANT RICKETS; VITAMIN D-DEPENDENT RICKETS, TYPE 2A, WITH OR WITHOUT ALOPECIA; VITAMIN D-RESISTANT RICKETS WITH END-ORGAN UNRESPONSIVENESS TO 1,25-DIHYDROXYCHOLECALCIFEROL; PDDR IIA; PSEUDOVITAMIN D-DEFICIENCY, TYPE IIA. Identifiers: Orphanet 93160, MedGen C0342646, MONDO:0010186, OMIM 277440.

Allele frequency attached by ClinVar (database versions not stated): gnomAD exomes 0.00001 and below 0.00001.
gnomAD v4.1: 1 of 1,573,376 alleles (0.000064%); highest among the groups gnomAD compares: Non-Finnish European, 0.000086%; no homozygotes.

Submissions (2):

Labcorp Genetics (formerly Invitae), Labcorp
Classification: Uncertain significance. Last evaluated: 2023-10-03. Review status: criteria provided, single submitter. Criteria: Invitae Variant Classification Sherloc (09022015). Collection method: clinical testing. Allele origin: germline.
Comment: This sequence change replaces isoleucine, which is neutral and non-polar, with serine, which is neutral and polar, at codon 314 of the VDR protein (p.Ile314Ser). The frequency data for this variant in the population databases is considered unreliable, as metrics indicate poor data quality at this position in the gnomAD database. This missense change has been observed in individual(s) with vitamin D-resistant rickets (PMID: 8961271). ClinVar contains an entry for this variant (Variation ID: 7755). Advanced modeling of protein sequence and biophysical properties (such as structural, functional, and spatial information, amino acid conservation, physicochemical variation, residue mobility, and thermodynamic stability) performed at Invitae indicates that this missense variant is not expected to disrupt VDR protein function. Experimental studies have shown that this missense change affects VDR function (PMID: 8961271). Algorithms developed to predict the effect of sequence changes on RNA splicing suggest that this variant may disrupt the consensus splice site. In summary, the available evidence is currently insufficient to determine the role of this variant in disease. Therefore, it has been classified as a Variant of Uncertain Significance.

OMIM
Classification: Pathogenic for VITAMIN D-DEPENDENT RICKETS, TYPE 2A. Last evaluated: 1996-12-01. Review status: no assertion criteria provided. Collection method: literature only. Allele origin: germline. Not counted in ClinVar's aggregate classification.

Literature cited by the submitters: PubMed 8961271 (cited by Labcorp Genetics (formerly Invitae), Labcorp and OMIM).